The following is an entry in ClinVar:

NM_015192.4(PLCB1):c.3336+96A>G

Gene: PLCB1 (phospholipase C beta 1; plus strand). Cytogenetic location: 20p12.3.
Variant type: single nucleotide variant.
Coding change: c.3336+96A>G on transcript NM_015192.4 (MANE Select); 96 bases into the intron after coding-DNA position 3336, A replaced by G.
Molecular consequence: intron variant.
Genome position (GRCh38, 1-based): chr20:8,789,671, A>G. VCF-style: chr20-8789671-A-G. GRCh37 (hg19) VCF-style: chr20-8770318-A-G.
Other names: c.3336+96A>G (NM_182734.3).
Identifiers: ClinVar variation 1295431 (VCV001295431.5), dbSNP rs4816086, ClinGen allele CA14813462.
Genomic context (GRCh38, chr20:8,789,671, plus strand): 5'-CATGTGTGAACATTTGGTGAGCTCGCTGTGAGCTTCTGGAAGGAAATGTCATGCCTTGCC[A>G]TAACTTTTTATCACTAGCACCTAGCAGAGCTGTTTCACAGGGTGGGCACTCCTTAATCAA-3'

ClinVar aggregate classification (germline): Benign. Review status: criteria provided, multiple submitters, no conflicts (2 of 4 stars). 3 submissions from 3 submitters: Benign (3). Last evaluated 2024-07-15.

Allele frequency attached by ClinVar (database versions not stated): 1000 Genomes Project 30x 0.20971; 1000 Genomes Project 0.21046; TOPMed 0.23114; gnomAD 0.24215 and 0.24447; gnomAD exomes 0.29389.
gnomAD v4.1: 260,598 of 914,376 alleles (29%); highest among the groups gnomAD compares: Non-Finnish European, 32%; 39,083 homozygotes.

Submissions (3):

Unidad de Genómica Garrahan, Hospital de Pediatría Garrahan
Classification: Benign. Last evaluated: 2024-07-15. Review status: criteria provided, single submitter. Criteria: ACMG Guidelines, 2015. Collection method: clinical testing. Allele origin: germline. Affected: no. Observed: 36 variant alleles.
Comment: This variant is classified as Benign based on local population frequency. This variant was detected in 39% of patients studied in a panel designed for Epileptic and Developmental Encephalopathy and Progressive Myoclonus Epilepsy. Number of patients: 36. Only high quality variants are reported.

GeneDx
Classification: Benign. Last evaluated: 2020-11-24. Review status: criteria provided, single submitter. Criteria: GeneDx Variant Classification Process June 2021. Collection method: clinical testing. Allele origin: germline. Affected: yes.

Breakthrough Genomics
Classification: Benign. Review status: criteria provided, single submitter. Criteria: ACMG Guidelines, 2015. Collection method: not provided. Allele origin: germline. Inheritance: Autosomal recessive inheritance. Affected: yes.